The following is an entry in ClinVar:

ClinVar aggregate classification (germline): Uncertain significance (1 of 4 stars; one submission).

Conditions:
Cardiovascular phenotype. Identifiers: MedGen CN230736.

Submission:

Ambry Genetics
Classification: Uncertain significance for Cardiovascular phenotype. Last evaluated: 2025-02-23. Review status: criteria provided, single submitter. Criteria: Ambry Variant Classification Scheme 2023. Collection method: clinical testing. Allele origin: germline.
Comment: The p.A470V variant (also known as c.1409C>T), located in coding exon 9 of the LMF1 gene, results from a C to T substitution at nucleotide position 1409. The alanine at codon 470 is replaced by valine, an amino acid with similar properties. This amino acid position is conserved. In addition, the in silico prediction for this alteration is inconclusive. Based on the available evidence, the clinical significance of this variant remains unclear.

NM_022773.4(LMF1):c.1409C>T (p.Ala470Val)

Gene: LMF1 (lipase maturation factor 1; minus strand). Cytogenetic location: 16p13.3.
Variant type: single nucleotide variant.
Coding change: c.1409C>T on transcript NM_022773.4 (MANE Select); coding-DNA position 1409, C replaced by T.
Protein change: p.Ala470Val; replaces alanine 470 with valine.
Molecular consequence: missense variant. On other transcripts: non-coding transcript variant (1), intron variant (1).
Genome position (GRCh38, 1-based): chr16:869,890, G>A on the plus strand (C>T on the coding strand, the complement: LMF1 is on the minus strand). VCF-style: chr16-869890-G-A. GRCh37 (hg19) VCF-style: chr16-919890-G-A.
Other names: c.758C>T, p.Ala253Val (NM_001352017.2, NM_001352021.2); c.1010C>T, p.Ala337Val (NM_001352018.2); c.1082C>T, p.Ala361Val (NM_001352019.2); c.1336+73C>T (NM_001352020.1); short protein forms A253V, A470V, A361V, A337V.
Identifiers: ClinVar variation 3867473 (VCV003867473.1).